The following is an entry in ClinVar:

ClinVar aggregate classification (germline): Uncertain significance. Review status: criteria provided, multiple submitters, no conflicts (2 of 4 stars). 2 submissions from 2 submitters: Uncertain significance (2). Last evaluated 2026-02-11.

Conditions:
Hereditary cancer-predisposing syndrome. Also called: Hereditary neoplastic syndrome; Tumor predisposition; Neoplastic Syndromes, Hereditary; Hereditary Cancer Syndrome. Identifiers: Orphanet 140162, MedGen C0027672, MeSH D009386, MONDO:0015356.

Submissions (2):

GeneDx
Classification: Uncertain significance. Last evaluated: 2026-02-11. Review status: criteria provided, single submitter. Criteria: GeneDx Variant Classification Process June 2021. Collection method: clinical testing. Allele origin: germline.
Comment: Not observed at significant frequency in large population cohorts (gnomAD); In silico analysis supports that this missense variant has a deleterious effect on protein structure/function; Has not been previously published as pathogenic or benign to our knowledge; This variant is associated with the following publications: (PMID: 18199528)

Ambry Genetics
Classification: Uncertain significance for Hereditary cancer-predisposing syndrome. Last evaluated: 2024-11-25. Review status: criteria provided, single submitter. Criteria: Ambry Variant Classification Scheme 2023. Collection method: clinical testing. Allele origin: germline.
Comment: The p.L37V variant (also known as c.109C>G), located in coding exon 1 of the APC gene, results from a C to G substitution at nucleotide position 109. The leucine at codon 37 is replaced by valine, an amino acid with highly similar properties. This amino acid position is highly conserved in available vertebrate species. In addition, in silico predictors for this gene do not accurately predict pathogenicity. Based on the available evidence, the clinical significance of this variant remains unclear.

NM_000038.6(APC):c.109C>G (p.Leu37Val)

Gene: APC (APC regulator of Wnt signaling pathway; plus strand). Cytogenetic location: 5q22.2.
Variant type: single nucleotide variant.
Coding change: c.109C>G on transcript NM_000038.6 (MANE Select); coding-DNA position 109, C replaced by G.
Protein change: p.Leu37Val; replaces leucine 37 with valine.
Molecular consequence: missense variant. On other transcripts: 5 prime UTR variant (4), non-coding transcript variant (2), intron variant (11).
Genome position (GRCh38, 1-based): chr5:112,754,999, C>G. VCF-style: chr5-112754999-C-G. GRCh37 (hg19) VCF-style: chr5-112090696-C-G.
Other names: c.109C>G, p.Leu37Val (NM_001407457.1, NM_001407458.1, NM_001407459.1 and 16 more transcripts); c.-927C>G (NM_001407470.1, NM_001407471.1, NM_001407472.1 and 1 more transcripts); c.166-11327C>G (NM_001407446.1, NM_001354897.2, NM_001354902.2 and 1 more transcripts); c.-42-11327C>G (NM_001407453.1, NM_001354900.2, NM_001354901.2 and 1 more transcripts); c.61-11327C>G (NM_001407451.1, NM_001354898.2, NM_001354904.2); short protein forms L37V.
Identifiers: ClinVar variation 3412185 (VCV003412185.2).